The following is an entry in ClinVar:

ClinVar aggregate classification (germline): Uncertain significance. Review status: criteria provided, multiple submitters, no conflicts (2 of 4 stars). 2 submissions from 2 submitters: Uncertain significance (2). Last evaluated 2025-12-08.

Conditions:
Perlman syndrome (PRLMNS). Identifiers: Orphanet 2849, MedGen C0796113, MONDO:0009965, OMIM 267000.

Allele frequency attached by ClinVar (database versions not stated): gnomAD 0.00001 and 0.00003; TOPMed 0.00005; gnomAD exomes 0.00009; ExAC 0.00011; 1000 Genomes Project 0.00040; 1000 Genomes Project 30x 0.00047.
gnomAD v4.1: 43 of 1,386,278 alleles (0.0031%); highest among the groups gnomAD compares: East Asian, 0.16%; no homozygotes.

Submissions (2):

Labcorp Genetics (formerly Invitae), Labcorp
Classification: Uncertain significance for Perlman syndrome. Last evaluated: 2025-12-08. Review status: criteria provided, single submitter. Criteria: Invitae Variant Classification Sherloc (09022015). Collection method: clinical testing. Allele origin: germline.
Comment: This sequence change replaces alanine, which is neutral and non-polar, with serine, which is neutral and polar, at codon 592 of the DIS3L2 protein (p.Ala592Ser). This variant is present in population databases (rs183714146, gnomAD 0.1%). This variant has not been reported in the literature in individuals affected with DIS3L2-related conditions. ClinVar contains an entry for this variant (Variation ID: 410766). Invitae Evidence Modeling of protein sequence and biophysical properties (such as structural, functional, and spatial information, amino acid conservation, physicochemical variation, residue mobility, and thermodynamic stability) indicates that this missense variant is not expected to disrupt DIS3L2 protein function with a negative predictive value of 80%. RNA analysis performed to evaluate the impact of this missense change on mRNA splicing indicates it does not significantly alter splicing (internal data). In summary, the available evidence is currently insufficient to determine the role of this variant in disease. Therefore, it has been classified as a Variant of Uncertain Significance.

Fulgent Genetics
Classification: Uncertain significance for Perlman syndrome. Last evaluated: 2018-10-31. Review status: criteria provided, single submitter. Criteria: ACMG Guidelines, 2015. Collection method: clinical testing. Allele origin: unknown.

NM_152383.5(DIS3L2):c.1774G>T (p.Ala592Ser)

Gene: DIS3L2 (DIS3 like 3'-5' exoribonuclease 2; plus strand). Cytogenetic location: 2q37.1.
Variant type: single nucleotide variant.
Coding change: c.1774G>T on transcript NM_152383.5 (MANE Select); coding-DNA position 1774, G replaced by T.
Protein change: p.Ala592Ser; replaces alanine 592 with serine.
Molecular consequence: missense variant. On other transcripts: intron variant (1).
Genome position (GRCh38, 1-based): chr2:232,329,847, G>T. VCF-style: chr2-232329847-G-T. GRCh37 (hg19) VCF-style: chr2-233194557-G-T.
Other names: c.1582-13498G>T (NM_001257281.2); short protein forms A592S.
Identifiers: ClinVar variation 410766 (VCV000410766.11), dbSNP rs183714146, ClinGen allele CA2164265.